The following is an entry in ClinVar:

NM_006180.6(NTRK2):c.271G>T (p.Val91Leu)

Genes: NTRK2 (neurotrophic receptor tyrosine kinase 2; plus strand), LOC130001952 (ATAC-STARR-seq lymphoblastoid active region 28508; plus strand). Cytogenetic location: 9q21.33.
Variant type: single nucleotide variant.
Coding change: c.271G>T on transcript NM_006180.6 (MANE Select); coding-DNA position 271, G replaced by T.
Protein change: p.Val91Leu; replaces valine 91 with leucine.
Molecular consequence: missense variant. On other transcripts: 5 prime UTR variant (4).
Genome position (GRCh38, 1-based): chr9:84,702,217, G>T. VCF-style: chr9-84702217-G-T. GRCh37 (hg19) VCF-style: chr9-87317132-G-T.
Other names: c.271G>T, p.Val91Leu (NM_001007097.3, NM_001018064.3, NM_001018065.2 and 19 more transcripts); c.-198G>T (NM_001369535.1, NM_001369536.1, NM_001369550.1 and 1 more transcripts); short protein forms V91L.
Identifiers: ClinVar variation 2087698 (VCV002087698.4), dbSNP rs2060775661, ClinGen allele CA374005130.

ClinVar aggregate classification (germline): Uncertain significance (1 of 4 stars; one submission).

Allele frequency attached by ClinVar (database versions not stated): TOPMed below 0.00001.
gnomAD v4.1: 1 of 1,614,236 alleles (0.000062%); highest among the groups gnomAD compares: African/African-American, 0.0013%; no homozygotes.

Submission:

Labcorp Genetics (formerly Invitae), Labcorp
Classification: Uncertain significance. Last evaluated: 2022-07-05. Review status: criteria provided, single submitter. Criteria: Invitae Variant Classification Sherloc (09022015). Collection method: clinical testing. Allele origin: germline.
Comment: This sequence change replaces valine, which is neutral and non-polar, with leucine, which is neutral and non-polar, at codon 91 of the NTRK2 protein (p.Val91Leu). This variant is not present in population databases (gnomAD no frequency). This variant has not been reported in the literature in individuals affected with NTRK2-related conditions. Advanced modeling of protein sequence and biophysical properties (such as structural, functional, and spatial information, amino acid conservation, physicochemical variation, residue mobility, and thermodynamic stability) performed at Invitae indicates that this missense variant is not expected to disrupt NTRK2 protein function. In summary, the available evidence is currently insufficient to determine the role of this variant in disease. Therefore, it has been classified as a Variant of Uncertain Significance.